The following is an entry in ClinVar:

ClinVar aggregate classification (germline): Pathogenic/Likely pathogenic. Review status: criteria provided, multiple submitters, no conflicts (2 of 4 stars). 4 submissions from 4 submitters: Pathogenic (2); Likely pathogenic (1). 1 of the submissions does not count toward it. Last evaluated 2024-01-25.

Conditions:
Familial cancer of breast. Also called: hereditary breast carcinoma; Hereditary breast cancer; BREAST CANCER, FAMILIAL. Identifiers: Orphanet 227535, MedGen C0346153, MONDO:0016419, OMIM 114480. Disease mechanism: loss of function.
Carcinoma of colon (CRC). Also called: Colonic carcinoma; Colon carcinoma. Identifiers: MedGen C0699790, MONDO:0002032.
Ataxia-telangiectasia syndrome (AT). Also called: LOUIS-BAR SYNDROME; Ataxia-telangiectasia, complementation group D; AT, COMPLEMENTATION GROUP C; Ataxia-telangiectasia, complementation group E; Ataxia telangiectasia (A-T); Cerebello-oculocutaneous telangiectasia. Identifiers: Orphanet 100, MedGen C0004135, MONDO:0008840, OMIM 208900.
ATM-related disorder. Also called: ATM-related disorders; ATM-related condition.

Submissions (4):

Myriad Genetics, Inc.
Classification: Pathogenic for Familial cancer of breast. Last evaluated: 2024-01-25. Review status: criteria provided, single submitter. Criteria: Myriad Autosomal Dominant, Autosomal Recessive and X-Linked Classification Criteria (2023). Collection method: clinical testing. Allele origin: unknown.
Comment: This variant is considered pathogenic. This variant creates a frameshift predicted to result in premature protein truncation.

Labcorp Genetics (formerly Invitae), Labcorp
Classification: Pathogenic for Ataxia-telangiectasia syndrome. Last evaluated: 2023-09-21. Review status: criteria provided, single submitter. Criteria: Invitae Variant Classification Sherloc (09022015). Collection method: clinical testing. Allele origin: germline.
Comment: For these reasons, this variant has been classified as Pathogenic. ClinVar contains an entry for this variant (Variation ID: 236738). This premature translational stop signal has been observed in individual(s) with breast cancer (PMID: 26689913). This variant is present in population databases (rs772138812, gnomAD 0.0009%). This sequence change creates a premature translational stop signal (p.Asp1815Thrfs*13) in the ATM gene. It is expected to result in an absent or disrupted protein product. Loss-of-function variants in ATM are known to be pathogenic (PMID: 23807571, 25614872).

Blueprint Genetics
Classification: Likely pathogenic for ATM-related disorders. Last evaluated: 2020-07-03. Review status: criteria provided, single submitter. Criteria: ACMG Guidelines, 2015. Collection method: clinical testing. Allele origin: germline. Affected: yes. Observed: 1 variant allele.

Department of Pathology and Laboratory Medicine, Sinai Health System
Classification: Pathogenic for Carcinoma of colon. Review status: no assertion criteria provided. Collection method: clinical testing. Allele origin: unknown. Affected: yes. Observed: 1 variant allele. Study: The Canadian Open Genetics Repository (COGR). Not counted in ClinVar's aggregate classification.
Comment: The ATM p.Asp1815Thrfs*13 variant was not identified in the literature nor was it identified in the LOVD 3.0 database. The variant was identified in dbSNP (ID: rs878853522) as "With Pathogenic allele" and in ClinVar (classified as pathogenic by Invitae). The variant was not identified in the following control databases: the Exome Aggregation Consortium (August 8th 2016) or the Genome Aggregation Database (Feb 27, 2017). The c.5443del variant is predicted to cause a frameshift, which alters the protein's amino acid sequence beginning at codon 1815 and leads to a premature stop codon at position 1827. This alteration is then predicted to result in a truncated or absent protein and loss of function. Loss of function variants of the ATM gene are an established mechanism of disease in ATM-associated cancer and is the type of variant expected to cause the disorder. In summary, based on the above information, this variant meets our laboratoryâ€šÃ„Ã´s criteria to be classified as pathogenic.

Literature cited by the submitters: PubMed 26689913 (cited by Labcorp Genetics (formerly Invitae), Labcorp); PubMed 23807571 (cited by Labcorp Genetics (formerly Invitae), Labcorp); PubMed 25614872 (cited by Labcorp Genetics (formerly Invitae), Labcorp).

NM_000051.4(ATM):c.5443del (p.Asp1815fs)

Gene: ATM (ATM serine/threonine kinase; plus strand). Cytogenetic location: 11q22.3.
Variant type: Deletion.
Coding change: c.5443del on transcript NM_000051.4 (MANE Select); coding-DNA position 5443, one base deleted (G; older notation c.5443delG).
Protein change: p.Asp1815fs; shifts the reading frame from aspartic acid 1815.
Molecular consequence: frameshift variant.
Genome position (GRCh38, 1-based): chr11:108,302,976, G deleted; the last of 2 consecutive G bases (chr11:108,302,975-108,302,976); deleting either gives the same sequence. VCF-style (leftmost placement, unchanged base first): chr11-108302974-TG-T. GRCh37 (hg19) VCF-style: chr11-108173701-TG-T.
Other names: c.5443del, p.Asp1815fs (NM_001351834.2); c.5443delG (NM_000051.3); short protein forms D1815fs.
Identifiers: ClinVar variation 236738 (VCV000236738.9), dbSNP rs878853522, ClinGen allele CA6265698.
Genomic context (GRCh38, chr11:108,302,974, plus strand): 5'-TGTGGATTCCTCTAAGTGAAAATCATGACATTTGGATAAAGACACTGACTTGTGCTTTTT[TG>T]GACAGTGGAGGCACAAAATGTGAAATTCTTCAATTATTAAAGCCAATGTGTGAAGTAAGA-3'